The following is an entry in ClinVar:

NM_001006630.2(CHRM2):c.385C>G (p.Leu129Val)

Genes: CHRM2 (cholinergic receptor muscarinic 2; plus strand), LOC349160 (uncharacterized LOC349160; minus strand). Cytogenetic location: 7q33.
Variant type: single nucleotide variant.
Coding change: c.385C>G on transcript NM_001006630.2 (MANE Select); coding-DNA position 385, C replaced by G.
Protein change: p.Leu129Val; replaces leucine 129 with valine.
Molecular consequence: missense variant.
Genome position (GRCh38, 1-based): chr7:137,015,250, C>G. VCF-style: chr7-137015250-C-G. GRCh37 (hg19) VCF-style: chr7-136699997-C-G.
Other names: c.385C>G, p.Leu129Val (NM_000739.3, NM_001006626.3, NM_001006627.3 and 6 more transcripts); short protein forms L129V.
Identifiers: ClinVar variation 2202627 (VCV002202627.4), dbSNP rs2536205400, ClinGen allele CA369486378.

ClinVar aggregate classification (germline): Uncertain significance (1 of 4 stars; one submission).

Allele frequency attached by ClinVar (database versions not stated): gnomAD exomes below 0.00001.
gnomAD v4.1: 1 of 1,613,396 alleles (0.000062%); highest among the groups gnomAD compares: Non-Finnish European, 0.000085%; no homozygotes.

Submission:

Labcorp Genetics (formerly Invitae), Labcorp
Classification: Uncertain significance. Last evaluated: 2022-01-26. Review status: criteria provided, single submitter. Criteria: Invitae Variant Classification Sherloc (09022015). Collection method: clinical testing. Allele origin: germline.
Comment: In summary, the available evidence is currently insufficient to determine the role of this variant in disease. Therefore, it has been classified as a Variant of Uncertain Significance. Algorithms developed to predict the effect of missense changes on protein structure and function (SIFT, PolyPhen-2, Align-GVGD) all suggest that this variant is likely to be disruptive. This variant has not been reported in the literature in individuals affected with CHRM2-related conditions. This variant is not present in population databases (gnomAD no frequency). This sequence change replaces leucine, which is neutral and non-polar, with valine, which is neutral and non-polar, at codon 129 of the CHRM2 protein (p.Leu129Val).